The following is an entry in ClinVar:

ClinVar aggregate classification (germline): Uncertain significance (1 of 4 stars; one submission).

Allele frequency attached by ClinVar (database versions not stated): gnomAD exomes below 0.00001; TOPMed below 0.00001.
gnomAD v4.1: 1 of 1,602,022 alleles (0.000062%); highest among the groups gnomAD compares: Middle Eastern, 0.017%; no homozygotes.

Submission:

Labcorp Genetics (formerly Invitae), Labcorp
Classification: Uncertain significance. Last evaluated: 2021-01-19. Review status: criteria provided, single submitter. Criteria: Invitae Variant Classification Sherloc (09022015). Collection method: clinical testing. Allele origin: germline.
Comment: This variant is not present in population databases (ExAC no frequency). This variant has not been reported in the literature in individuals with COL11A1-related conditions. Nucleotide substitutions within the consensus splice site are a relatively common cause of aberrant splicing (PMID: 17576681, 9536098). Algorithms developed to predict the effect of sequence changes on RNA splicing suggest that this variant is not likely to affect RNA splicing, but this prediction has not been confirmed by published transcriptional studies. In summary, the available evidence is currently insufficient to determine the role of this variant in disease. Therefore, it has been classified as a Variant of Uncertain Significance. This sequence change falls in intron 6 of the COL11A1 gene. It does not directly change the encoded amino acid sequence of the COL11A1 protein. It affects a nucleotide within the consensus splice site of the intron.

Literature cited by the submitters: PubMed 17576681; PubMed 9536098.

NM_001854.4(COL11A1):c.897+5A>T

Gene: COL11A1 (collagen type XI alpha 1 chain; minus strand). Cytogenetic location: 1p21.1.
Variant type: single nucleotide variant.
Coding change: c.897+5A>T on transcript NM_001854.4 (MANE Select); 5 bases into the intron after coding-DNA position 897, A replaced by T.
Molecular consequence: intron variant.
Genome position (GRCh38, 1-based): chr1:103,026,211, T>A on the plus strand (A>T on the coding strand, the complement: COL11A1 is on the minus strand). VCF-style: chr1-103026211-T-A. GRCh37 (hg19) VCF-style: chr1-103491767-T-A.
Other names: c.781-598A>T (NM_001190709.2); c.781-259A>T (NM_080629.3); c.897+5A>T (NM_080630.4).
Identifiers: ClinVar variation 1364988 (VCV001364988.6), dbSNP rs1667500095, ClinGen allele CA1185292439.